The following is an entry in ClinVar:

ClinVar aggregate classification (germline): Uncertain significance (1 of 4 stars; one submission).

Submission:

Ambry Genetics
Classification: Uncertain significance. Last evaluated: 2020-12-03. Review status: criteria provided, single submitter. Criteria: Ambry Variant Classification Scheme 2023. Collection method: clinical testing. Allele origin: germline.
Comment: The p.H604R variant (also known as c.1811A>G), located in coding exon 12 of the RINT1 gene, results from an A to G substitution at nucleotide position 1811. The histidine at codon 604 is replaced by arginine, an amino acid with highly similar properties. This amino acid position is not well conserved in available vertebrate species. In addition, this alteration is predicted to be tolerated by in silico analysis. Since supporting evidence is limited at this time, the clinical significance of this alteration remains unclear.

NM_021930.6(RINT1):c.1811A>G (p.His604Arg)

Gene: RINT1 (RAD50 interactor 1; plus strand). Cytogenetic location: 7q22.3.
Variant type: single nucleotide variant.
Coding change: c.1811A>G on transcript NM_021930.6 (MANE Select); coding-DNA position 1811, A replaced by G.
Protein change: p.His604Arg; replaces histidine 604 with arginine.
Molecular consequence: missense variant. On other transcripts: non-coding transcript variant (1).
Genome position (GRCh38, 1-based): chr7:105,563,872, A>G. VCF-style: chr7-105563872-A-G. GRCh37 (hg19) VCF-style: chr7-105204319-A-G.
Other names: c.1577A>G, p.His526Arg (NM_001346599.2); c.788A>G, p.His263Arg (NM_001346600.2, NM_001346603.2); c.887A>G, p.His296Arg (NM_001346601.2); short protein forms H296R, H604R, H263R, H526R.
Identifiers: ClinVar variation 1780589 (VCV001780589.2), dbSNP rs765992166, ClinGen allele CA164066625.
Genomic context (GRCh38, chr7:105,563,872, plus strand): 5'-TAGCCTCTATGGAGAGCTCTGTCTTTGATGACATGATTAACCTCTTAGAACGTTTAAAGC[A>G]TGATATGTTGACCCGTCAAGTAGACCACGTTTTTAGAGAAGTTAAAGATGCTGCAAAATT-3'
Protein context (NP_068749.3, residues 594-614): DMINLLERLK[His604Arg]DMLTRQVDHV